The following is an entry in ClinVar:

ClinVar aggregate classification (germline): Uncertain significance (1 of 4 stars; one submission).

gnomAD v4.1: 1 of 1,614,108 alleles (0.000062%); highest among the groups gnomAD compares: Admixed American, 0.0017%; no homozygotes.

Submission:

Labcorp Genetics (formerly Invitae), Labcorp
Classification: Uncertain significance. Last evaluated: 2025-10-13. Review status: criteria provided, single submitter. Criteria: Invitae Variant Classification Sherloc (09022015). Collection method: clinical testing. Allele origin: germline.
Comment: This sequence change replaces histidine, which is basic and polar, with arginine, which is basic and polar, at codon 2644 of the LAMA1 protein (p.His2644Arg). This variant is not present in population databases (gnomAD no frequency). This variant has not been reported in the literature in individuals affected with LAMA1-related conditions. ClinVar contains an entry for this variant (Variation ID: 2037202). Invitae Evidence Modeling of protein sequence and biophysical properties (such as structural, functional, and spatial information, amino acid conservation, physicochemical variation, residue mobility, and thermodynamic stability) indicates that this missense variant is not expected to disrupt LAMA1 protein function with a negative predictive value of 80%. In summary, the available evidence is currently insufficient to determine the role of this variant in disease. Therefore, it has been classified as a Variant of Uncertain Significance.

NM_005559.4(LAMA1):c.7931A>G (p.His2644Arg)

Gene: LAMA1 (laminin subunit alpha 1; minus strand). Cytogenetic location: 18p11.31.
Variant type: single nucleotide variant.
Coding change: c.7931A>G on transcript NM_005559.4 (MANE Select); coding-DNA position 7931, A replaced by G.
Protein change: p.His2644Arg; replaces histidine 2644 with arginine.
Molecular consequence: missense variant.
Genome position (GRCh38, 1-based): chr18:6,958,510, T>C on the plus strand (A>G on the coding strand, the complement: LAMA1 is on the minus strand). VCF-style: chr18-6958510-T-C. GRCh37 (hg19) VCF-style: chr18-6958509-T-C.
Other names: short protein forms H2644R.
Identifiers: ClinVar variation 2037202 (VCV002037202.4), dbSNP rs146411016, ClinGen allele CA401842847.